The following is an entry in ClinVar:

NM_001008537.3(NEXMIF):c.2786C>T (p.Thr929Ile)

Gene: NEXMIF (neurite extension and migration factor; minus strand). Cytogenetic location: Xq13.3.
Variant type: single nucleotide variant.
Coding change: c.2786C>T on transcript NM_001008537.3 (MANE Select); coding-DNA position 2786, C replaced by T.
Protein change: p.Thr929Ile; replaces threonine 929 with isoleucine.
Molecular consequence: missense variant.
Genome position (GRCh38, 1-based): chrX:74,741,771, G>A on the plus strand (C>T on the coding strand, the complement: NEXMIF is on the minus strand). VCF-style: chrX-74741771-G-A. GRCh37 (hg19) VCF-style: chrX-73961606-G-A.
Other names: short protein forms T929I.
Identifiers: ClinVar variation 1033188 (VCV001033188.13), dbSNP rs370164571, ClinGen allele CA10455011.

ClinVar aggregate classification (germline): Uncertain significance. Review status: criteria provided, multiple submitters, no conflicts (2 of 4 stars). 3 submissions from 3 submitters: Uncertain significance (3). Last evaluated 2024-09-01.

Conditions:
X-linked intellectual disability, Cantagrel type (XLID98). Also called: INTELLECTUAL DEVELOPMENTAL DISORDER, X-LINKED 98. Identifiers: Orphanet 85277, MedGen C3806730, MONDO:0010483, OMIM 300912.

Allele frequency attached by ClinVar (database versions not stated): ExAC 0.00001; gnomAD exomes 0.00001; gnomAD 0.00002; TOPMed 0.00003; ESP Exome Variant Server 0.00009.
gnomAD v4.1: 14 of 1,210,311 alleles (0.0012%); highest among the groups gnomAD compares: Non-Finnish European, 0.0015%; no homozygotes.

Submissions (3):

Labcorp Genetics (formerly Invitae), Labcorp
Classification: Uncertain significance. Last evaluated: 2024-09-01. Review status: criteria provided, single submitter. Criteria: Invitae Variant Classification Sherloc (09022015). Collection method: clinical testing. Allele origin: germline.
Comment: This sequence change replaces threonine, which is neutral and polar, with isoleucine, which is neutral and non-polar, at codon 929 of the NEXMIF protein (p.Thr929Ile). This variant is present in population databases (rs370164571, gnomAD 0.004%). This variant has not been reported in the literature in individuals affected with NEXMIF-related conditions. ClinVar contains an entry for this variant (Variation ID: 1033188). An algorithm developed to predict the effect of missense changes on protein structure and function outputs the following: PolyPhen-2: "Benign". The isoleucine amino acid residue is found in multiple mammalian species, which suggests that this missense change does not adversely affect protein function. In summary, the available evidence is currently insufficient to determine the role of this variant in disease. Therefore, it has been classified as a Variant of Uncertain Significance.

Ambry Genetics
Classification: Uncertain significance. Last evaluated: 2024-05-28. Review status: criteria provided, single submitter. Criteria: Ambry Variant Classification Scheme 2023. Collection method: clinical testing. Allele origin: germline.

Baylor Genetics
Classification: Uncertain significance for X-linked intellectual disability, Cantagrel type. Last evaluated: 2018-05-08. Review status: criteria provided, single submitter. Criteria: ACMG Guidelines, 2015. Collection method: clinical testing. Allele origin: maternal. Affected: yes.
Comment: This variant was determined to be of uncertain significance according to ACMG Guidelines, 2015 [PMID:25741868].